The following is an entry in ClinVar:

ClinVar aggregate classification (germline): Uncertain significance (1 of 4 stars; one submission).

Conditions:
Primary ciliary dyskinesia. Also called: Ciliary dyskinesia. Identifiers: Orphanet 244, MedGen C0008780, MONDO:0016575, HP:0012265.

Allele frequency attached by ClinVar (database versions not stated): gnomAD exomes below 0.00001.
gnomAD v4.1: 4 of 1,614,168 alleles (0.00025%); highest among the groups gnomAD compares: Non-Finnish European, 0.00034%; no homozygotes.

Submission:

Labcorp Genetics (formerly Invitae), Labcorp
Classification: Uncertain significance for Primary ciliary dyskinesia. Last evaluated: 2019-05-18. Review status: criteria provided, single submitter. Criteria: Invitae Variant Classification Sherloc (09022015). Collection method: clinical testing. Allele origin: germline.
Comment: In summary, the available evidence is currently insufficient to determine the role of this variant in disease. Therefore, it has been classified as a Variant of Uncertain Significance. Algorithms developed to predict the effect of missense changes on protein structure and function output the following: SIFT: "Tolerated"; PolyPhen-2: "Benign"; Align-GVGD: "Class C0". The arginine amino acid residue is found in multiple mammalian species, suggesting that this missense change does not adversely affect protein function. These predictions have not been confirmed by published functional studies and their clinical significance is uncertain. This variant has not been reported in the literature in individuals with RSPH4A-related conditions. This variant is not present in population databases (ExAC no frequency). This sequence change replaces glutamine with arginine at codon 154 of the RSPH4A protein (p.Gln154Arg). The glutamine residue is weakly conserved and there is a small physicochemical difference between glutamine and arginine.

NM_001010892.3(RSPH4A):c.461A>G (p.Gln154Arg)

Gene: RSPH4A (radial spoke head component 4A; plus strand). Cytogenetic location: 6q22.1.
Variant type: single nucleotide variant.
Coding change: c.461A>G on transcript NM_001010892.3 (MANE Select); coding-DNA position 461, A replaced by G.
Protein change: p.Gln154Arg; replaces glutamine 154 with arginine.
Molecular consequence: missense variant.
Genome position (GRCh38, 1-based): chr6:116,617,084, A>G. VCF-style: chr6-116617084-A-G. GRCh37 (hg19) VCF-style: chr6-116938247-A-G.
Other names: c.461A>G, p.Gln154Arg (NM_001161664.2); short protein forms Q154R.
Identifiers: ClinVar variation 944120 (VCV000944120.10), dbSNP rs1775520006, ClinGen allele CA365393515.
Genomic context (GRCh38, chr6:116,617,084, plus strand): 5'-AAAGAGAATCAACTCCTCATCACACAAGCCAGTCAGAAGGAAACACCTTTCAACAGTCTC[A>G]GCAACCCAAACCCCACCTGTGTGGACGAAGGGACGTGAGCTATAACAACGCTAAACAGAA-3'
Protein context (NP_001010892.1, residues 144-164): QSEGNTFQQS[Gln154Arg]QPKPHLCGRR